The following is an entry in ClinVar:

NM_002734.5(PRKAR1A):c.101C>G (p.Ser34Cys)

Gene: PRKAR1A (protein kinase cAMP-dependent type I regulatory subunit alpha; plus strand). Cytogenetic location: 17q24.2.
Variant type: single nucleotide variant.
Coding change: c.101C>G on transcript NM_002734.5 (MANE Select); coding-DNA position 101, C replaced by G.
Protein change: p.Ser34Cys; replaces serine 34 with cysteine.
Molecular consequence: missense variant.
Genome position (GRCh38, 1-based): chr17:68,515,500, C>G. VCF-style: chr17-68515500-C-G. GRCh37 (hg19) VCF-style: chr17-66511641-C-G.
Other names: c.101C>G, p.Ser34Cys (NM_001276289.2, NM_001276290.1, NM_001278433.2 and 4 more transcripts); short protein forms S34C.
Identifiers: ClinVar variation 581188 (VCV000581188.35), dbSNP rs944887425, ClinGen allele CA293327597.

ClinVar aggregate classification (germline): Uncertain significance. Review status: criteria provided, multiple submitters, no conflicts (2 of 4 stars). 5 submissions from 5 submitters: Uncertain significance (5). Last evaluated 2025-10-14.

Conditions:
Carney complex, type 1 (CNC1). Also called: CARNEY MYXOMA-ENDOCRINE COMPLEX; CARNEY COMPLEX, TYPE I. Identifiers: Orphanet 1359, MedGen C2607929, MONDO:0008057, OMIM 160980.
Acrodysostosis 1 with or without hormone resistance (ACRDYS1). Also called: ACRODYSOSTOSIS WITH HORMONE RESISTANCE; ACRODYSOSTOSIS 1 WITH HORMONE RESISTANCE; ACRODYSOSTOSIS 1 WITHOUT HORMONE RESISTANCE. Identifiers: Orphanet 280651, MedGen C3276228, MONDO:0007044, OMIM 101800.
Hereditary cancer-predisposing syndrome. Also called: Tumor predisposition; Hereditary Cancer Syndrome; Hereditary neoplastic syndrome; Neoplastic Syndromes, Hereditary. Identifiers: Orphanet 140162, MedGen C0027672, MeSH D009386, MONDO:0015356.

Allele frequency attached by ClinVar (database versions not stated): gnomAD exomes 0.00001; TOPMed 0.00003; gnomAD 0.00001.
gnomAD v4.1: 41 of 1,613,282 alleles (0.0025%); highest among the groups gnomAD compares: Non-Finnish European, 0.0032%; no homozygotes.

Submissions (5):

Labcorp Genetics (formerly Invitae), Labcorp
Classification: Uncertain significance for Carney complex, type 1. Last evaluated: 2025-10-14. Review status: criteria provided, single submitter. Criteria: Invitae Variant Classification Sherloc (09022015). Collection method: clinical testing. Allele origin: germline.
Comment: This sequence change replaces serine, which is neutral and polar, with cysteine, which is neutral and slightly polar, at codon 34 of the PRKAR1A protein (p.Ser34Cys). This variant is present in population databases (no rsID available, gnomAD 0.003%). This variant has not been reported in the literature in individuals affected with PRKAR1A-related conditions. ClinVar contains an entry for this variant (Variation ID: 581188). Invitae Evidence Modeling of protein sequence and biophysical properties (such as structural, functional, and spatial information, amino acid conservation, physicochemical variation, residue mobility, and thermodynamic stability) indicates that this missense variant is not expected to disrupt PRKAR1A protein function with a negative predictive value of 95%. In summary, the available evidence is currently insufficient to determine the role of this variant in disease. Therefore, it has been classified as a Variant of Uncertain Significance.

Women's Health and Genetics/Laboratory Corporation of America, LabCorp
Classification: Uncertain significance. Last evaluated: 2024-10-10. Review status: criteria provided, single submitter. Criteria: LabCorp Variant Classification Summary - May 2015. Collection method: clinical testing. Allele origin: germline.

CeGaT Center for Human Genetics Tuebingen
Classification: Uncertain significance. Last evaluated: 2024-07-01. Review status: criteria provided, single submitter. Criteria: CeGaT Center For Human Genetics Tuebingen Variant Classification Criteria Version 2. Collection method: clinical testing. Allele origin: germline. Affected: yes. Observed: 1 variant allele.

Ambry Genetics
Classification: Uncertain significance for Hereditary cancer-predisposing syndrome. Last evaluated: 2024-05-02. Review status: criteria provided, single submitter. Criteria: Ambry Variant Classification Scheme 2023. Collection method: clinical testing. Allele origin: germline.
Comment: The p.S34C variant (also known as c.101C>G), located in coding exon 1 of the PRKAR1A gene, results from a C to G substitution at nucleotide position 101. The serine at codon 34 is replaced by cysteine, an amino acid with dissimilar properties. This amino acid position is not well conserved in available vertebrate species. In addition, this alteration is predicted to be tolerated by in silico analysis. Since supporting evidence is limited at this time, the clinical significance of this alteration remains unclear.

Baylor Genetics
Classification: Uncertain significance for Acrodysostosis 1 with or without hormone resistance. Last evaluated: 2024-03-19. Review status: criteria provided, single submitter. Criteria: ACMG Guidelines, 2015. Collection method: clinical testing. Allele origin: unknown.